The following is an entry in ClinVar:

NM_001330574.2(ZNF711):c.1068_1069del (p.Arg356fs)

Gene: ZNF711 (ZFX family zinc finger ZNF711; plus strand). Cytogenetic location: Xq21.1.
Variant type: Microsatellite.
Coding change: c.1068_1069del on transcript NM_001330574.2 (MANE Select); coding-DNA positions 1068 to 1069, 2 bases deleted (AG; older notation c.1068_1069delAG).
Protein change: p.Arg356fs; shifts the reading frame from arginine 356.
Molecular consequence: frameshift variant.
Genome position (GRCh38, 1-based): chrX:85,268,307-85,268,308, AG deleted; deleting any 2 consecutive bases within chrX:85,268,305-85,268,308 gives the same sequence; the c. name uses the placement nearest the transcript's 3' end. VCF-style (leftmost placement, unchanged base first): chrX-85268304-AAG-A. GRCh37 (hg19) VCF-style: chrX-84523310-AAG-A.
Other names: c.930_931del, p.Arg310fs (NM_001375436.1, NM_001375437.1, NM_021998.5 and 2 more transcripts); c.1068_1069del, p.Arg356fs (NM_001375431.1, NM_001375432.1, NM_001375433.1); short protein forms R310fs, R356fs.
Identifiers: ClinVar variation 1028742 (VCV001028742.4), dbSNP rs1931281945, ClinGen allele CA1729705757.

ClinVar aggregate classification (germline): Pathogenic. Review status: criteria provided, multiple submitters, no conflicts (2 of 4 stars). 2 submissions from 2 submitters: Pathogenic (2). Last evaluated 2022-02-01.

Conditions:
Intellectual developmental disorder, X-linked 97. Also called: Intellectual disability, X-linked 97. Identifiers: Orphanet 777, MedGen C2749020, MONDO:0010430, OMIM 300803.

Submissions (2):

Daryl Scott Lab, Baylor College of Medicine
Classification: Pathogenic for Intellectual developmental disorder, X-linked 97. Last evaluated: 2022-02-01. Review status: criteria provided, single submitter. Criteria: ACMG Guidelines, 2015. Collection method: clinical testing. Allele origin: unknown. Affected: yes. Observed: 1 variant allele.

Baylor Genetics
Classification: Pathogenic for Intellectual developmental disorder, X-linked 97. Last evaluated: 2019-05-30. Review status: criteria provided, single submitter. Criteria: ACMG Guidelines, 2015. Collection method: clinical testing. Allele origin: unknown. Affected: yes.
Comment: This variant was determined to be pathogenic according to ACMG Guidelines, 2015 [PMID:25741868].

Literature cited by the submitters: PubMed 36474027 (cited by Daryl Scott Lab, Baylor College of Medicine).